The following is an entry in ClinVar:

ClinVar aggregate classification (germline): Benign/Likely benign. Review status: criteria provided, multiple submitters, no conflicts (2 of 4 stars). 3 submissions from 3 submitters: Benign (1); Likely benign (1). 1 of the submissions does not count toward it. Last evaluated 2025-06-01.

Conditions:
TRPM7-related disorder. Also called: TRPM7-related condition.

Allele frequency attached by ClinVar (database versions not stated): ESP Exome Variant Server 0.00240; TOPMed 0.00275; 1000 Genomes Project 0.00319; 1000 Genomes Project 30x 0.00328; gnomAD exomes 0.00589 and 0.00841; gnomAD 0.00764 and 0.00796; ExAC 0.00810.
gnomAD v4.1: 9,632 of 1,593,594 alleles (0.6%); highest among the groups gnomAD compares: Non-Finnish European, 0.43%; 142 homozygotes.

Submissions (3):

CeGaT Center for Human Genetics Tuebingen
Classification: Likely benign. Last evaluated: 2025-06-01. Review status: criteria provided, single submitter. Criteria: CeGaT Center For Human Genetics Tuebingen Variant Classification Criteria Version 2. Collection method: clinical testing. Allele origin: germline. Affected: yes. Observed: 1 variant allele.
Comment: TRPM7: BP4, BP7, BS2

Labcorp Genetics (formerly Invitae), Labcorp
Classification: Benign. Last evaluated: 2019-12-31. Review status: criteria provided, single submitter. Criteria: Invitae Variant Classification Sherloc (09022015). Collection method: clinical testing. Allele origin: germline.

PreventionGenetics, part of Exact Sciences
Classification: Benign for TRPM7-related condition. Last evaluated: 2019-12-02. Review status: no assertion criteria provided. Collection method: clinical testing. Allele origin: germline. Not counted in ClinVar's aggregate classification.
Comment: This variant is classified as benign based on ACMG/AMP sequence variant interpretation guidelines (Richards et al. 2015 PMID: 25741868, with internal and published modifications).

NM_017672.6(TRPM7):c.1485C>T (p.Asp495=)

Gene: TRPM7 (transient receptor potential cation channel subfamily M member 7; minus strand). Cytogenetic location: 15q21.2.
Variant type: single nucleotide variant.
Coding change: c.1485C>T on transcript NM_017672.6 (MANE Select); coding-DNA position 1485, C replaced by T.
Protein change: p.Asp495=; no amino-acid change (aspartic acid 495 retained).
Molecular consequence: synonymous variant. On other transcripts: non-coding transcript variant (3).
Genome position (GRCh38, 1-based): chr15:50,619,754, G>A on the plus strand (C>T on the coding strand, the complement: TRPM7 is on the minus strand). VCF-style: chr15-50619754-G-A. GRCh37 (hg19) VCF-style: chr15-50911951-G-A.
Other names: c.1485C>T, p.Asp495= (NM_001301212.2).
Identifiers: ClinVar variation 784683 (VCV000784683.16), dbSNP rs56337706, ClinGen allele CA7557670.